The following is an entry in ClinVar:

ClinVar aggregate classification (germline): Uncertain significance (1 of 4 stars; one submission).

Conditions:
Chopra-Amiel-Gordon syndrome (CAGS). Also called: ANKRD17-Related Neurodevelopmental Syndrome. Identifiers: MedGen C5561975, MONDO:0859186, OMIM 619504.

Submission:

Institute of Human Genetics, University of Leipzig Medical Center
Classification: Uncertain significance for Chopra-Amiel-Gordon syndrome. Last evaluated: 2024-07-15. Review status: criteria provided, single submitter. Criteria: ACMG Guidelines, 2015. Collection method: clinical testing. Allele origin: maternal. Inheritance: Autosomal dominant inheritance. Affected: yes.
Comment: Criteria applied: PM2,PP2

NM_032217.5(ANKRD17):c.3384T>G (p.His1128Gln)

Gene: ANKRD17 (ankyrin repeat domain 17; minus strand). Cytogenetic location: 4q13.3.
Variant type: single nucleotide variant.
Coding change: c.3384T>G on transcript NM_032217.5 (MANE Select); coding-DNA position 3384, T replaced by G.
Protein change: p.His1128Gln; replaces histidine 1128 with glutamine.
Molecular consequence: missense variant.
Genome position (GRCh38, 1-based): chr4:73,125,021, A>C on the plus strand (T>G on the coding strand, the complement: ANKRD17 is on the minus strand). VCF-style: chr4-73125021-A-C. GRCh37 (hg19) VCF-style: chr4-73990738-A-C.
Other names: c.3045T>G, p.His1015Gln (NM_001286771.3); c.3381T>G, p.His1127Gln (NM_015574.2); c.2631T>G, p.His877Gln (NM_198889.3); short protein forms H1015Q, H1127Q, H1128Q, H877Q.
Identifiers: ClinVar variation 3358984 (VCV003358984.2).
Genomic context (GRCh38, chr4:73,125,021, plus strand): 5'-TCTTTCAGACTGGGCTTCAATGTCTGCACCATTGTCCAGCAATATTTCCACAACACCAAC[A>C]TGACCAGCTGTGGCAGCCAAGATGAGTGGAGTAAAACCTGGAGAAAAATAATGATCTTCT-3'
Protein context (NP_115593.3, residues 1118-1138): TPLILAATAG[His1128Gln]VGVVEILLDN